The following is an entry in ClinVar:

NM_006648.4(WNK2):c.2317G>T (p.Ala773Ser)

Gene: WNK2 (WNK lysine deficient protein kinase 2; plus strand). Cytogenetic location: 9q22.31.
Variant type: single nucleotide variant.
Coding change: c.2317G>T on transcript NM_006648.4 (MANE Select); coding-DNA position 2317, G replaced by T.
Protein change: p.Ala773Ser; replaces alanine 773 with serine.
Molecular consequence: missense variant.
Genome position (GRCh38, 1-based): chr9:93,257,074, G>T. VCF-style: chr9-93257074-G-T. GRCh37 (hg19) VCF-style: chr9-96019356-G-T.
Other names: c.2317G>T, p.Ala773Ser (NM_001282394.3); short protein forms A773S.
Identifiers: ClinVar variation 4866677 (VCV004866677.1).

ClinVar aggregate classification (germline): Uncertain significance (1 of 4 stars; one submission).

gnomAD v4.1: 1 of 1,607,160 alleles (0.000062%); no homozygotes.

Submission:

Ambry Genetics
Classification: Uncertain significance. Last evaluated: 2026-05-17. Review status: criteria provided, single submitter. Criteria: Ambry Variant Classification Scheme 2023. Collection method: clinical testing. Allele origin: germline.
Comment: The p.A773S variant (also known as c.2317G>T), located in coding exon 10 of the WNK2 gene, results from a G to T substitution at nucleotide position 2317. The alanine at codon 773 is replaced by serine, an amino acid with similar properties. This amino acid position is conserved. In addition, this alteration is predicted to be tolerated by in silico analysis. Based on the available evidence, the clinical significance of this variant remains unclear.